The following is an entry in ClinVar:

ClinVar aggregate classification (germline): Pathogenic (1 of 4 stars; one submission).

Conditions:
Polycystic kidney disease, adult type (PKD1). Also called: Polycystic Kidney, Autosomal Dominant; POLYCYSTIC KIDNEY DISEASE, ADULT, TYPE I; Polycystic Kidney Disease 1, Autosomal Dominant; Polycystic kidney disease 1; Polycystic kidney disease 1, severe; POLYCYSTIC KIDNEY DISEASE 1 WITH OR WITHOUT POLYCYSTIC LIVER DISEASE. Identifiers: MedGen C3149841, MONDO:0008263, OMIM 173900.

Submission:

Victorian Clinical Genetics Services, Murdoch Childrens Research Institute
Classification: Pathogenic for Polycystic kidney disease, adult type. Last evaluated: 2024-11-27. Review status: criteria provided, single submitter. Criteria: ACMG Guidelines, 2015. Collection method: clinical testing. Allele origin: germline. Affected: yes.
Comment: This variant is classified as Pathogenic. Evidence in support of pathogenic classification: Variant is predicted to cause nonsense-mediated decay (NMD) and loss of protein (premature termination codon is located at least 54 nucleotides upstream of the final exon-exon junction); Variant is absent from gnomAD (v2, v3 and v4); Other NMD-predicted variant(s) comparable to the one identified in this case have very strong previous evidence for pathogenicity (DECIPHER). Additional information: This variant is heterozygous; This gene is associated with autosomal dominant disease. Polycystic kidney disease 1 (MIM#173900) is predominantly caused by monoallelic variants, with rare reports of biallelic variants causing disease (OMIM) - This variant has no previous evidence of pathogenicity; No published segregation evidence has been identified for this variant; No published functional evidence has been identified for this variant; Loss of function is a known mechanism of disease in this gene and is associated with polycystic kidney disease 1 (MIM#173900); Inheritance information for this variant is not currently available in this individual.

NM_001009944.3(PKD1):c.9872del (p.Phe3291fs)

Gene: PKD1 (polycystin 1, transient receptor potential channel interacting; minus strand). Cytogenetic location: 16p13.3.
Variant type: Deletion.
Coding change: c.9872del on transcript NM_001009944.3 (MANE Select); coding-DNA position 9872, one base deleted (T; older notation c.9872delT).
Protein change: p.Phe3291fs; shifts the reading frame from phenylalanine 3291.
Molecular consequence: frameshift variant.
Genome position (GRCh38, 1-based): chr16:2,099,912, A deleted on the plus strand (T on the coding strand, the reverse complement: PKD1 is on the minus strand); the first of 2 consecutive A bases (chr16:2,099,912-2,099,913); deleting either gives the same sequence. VCF-style (leftmost placement, unchanged base first): chr16-2099911-GA-G. GRCh37 (hg19) VCF-style: chr16-2149912-GA-G.
Other names: c.9872del, p.Phe3291fs (NM_000296.4); short protein forms F3291fs.
Identifiers: ClinVar variation 4531546 (VCV004531546.1).